The following is an entry in ClinVar:

NM_016955.4(SEPSECS):c.1023_1026del (p.Glu343fs)

Gene: SEPSECS (Sep (O-phosphoserine) tRNA:Sec (selenocysteine) tRNA synthase; minus strand). Cytogenetic location: 4p15.2.
Variant type: Microsatellite.
Coding change: c.1023_1026del on transcript NM_016955.4 (MANE Select); coding-DNA positions 1023 to 1026, 4 bases deleted (AAAG; older notation c.1023_1026delAAAG).
Protein change: p.Glu343fs; shifts the reading frame from glutamic acid 343.
Molecular consequence: frameshift variant.
Genome position (GRCh38, 1-based): chr4:25,144,774-25,144,777, CTTT deleted on the plus strand (AAAG on the coding strand, the reverse complement: SEPSECS is on the minus strand); deleting any 4 consecutive bases within chr4:25,144,774-25,144,785 gives the same sequence; the c. name uses the placement nearest the transcript's 3' end. VCF-style (leftmost placement, unchanged base first): chr4-25144773-CCTTT-C. GRCh37 (hg19) VCF-style: chr4-25146395-CCTTT-C.
Other names: short protein forms E343fs.
Identifiers: ClinVar variation 1356091 (VCV001356091.10), dbSNP rs781277383, ClinGen allele CA2877285.

ClinVar aggregate classification (germline): Pathogenic/Likely pathogenic. Review status: criteria provided, multiple submitters, no conflicts (2 of 4 stars). 4 submissions from 4 submitters: Pathogenic (1); Likely pathogenic (3). Last evaluated 2024-05-08.

Conditions:
Pontocerebellar hypoplasia type 2D (PCH2D). Also called: Progressive cerebello-cerebral atrophy. Identifiers: Orphanet 247198, Orphanet 2524, MedGen C3151140, MONDO:0013438, OMIM 613811.

Submissions (4):

Natera, Inc.
Classification: Likely pathogenic for Pontocerebellar hypoplasia type 2d. Last evaluated: 2024-05-08. Review status: criteria provided, single submitter. Criteria: Natera Variant Classification Schema (03/2026). Collection method: clinical testing. Allele origin: germline.
Comment: The c.1023_1026delAAAG variant in SEPSECS is a frameshift variant predicted to shift the reading frame beginning at codon 343 and leads to a stop codon 9 codons downstream. This variant is expected to result in nonsense mediated decay, truncation, or a dysfunctional protein product. This variant is rare in the general population with a frequency below the threshold expected for the associated phenotype(s). Given the available evidence, this variant is classified as Likely Pathogenic.

Labcorp Genetics (formerly Invitae), Labcorp
Classification: Pathogenic. Last evaluated: 2023-06-06. Review status: criteria provided, single submitter. Criteria: Invitae Variant Classification Sherloc (09022015). Collection method: clinical testing. Allele origin: germline.
Comment: For these reasons, this variant has been classified as Pathogenic. Algorithms developed to predict the effect of sequence changes on RNA splicing suggest that this variant may disrupt the consensus splice site. This variant has not been reported in the literature in individuals affected with SEPSECS-related conditions. This variant is present in population databases (rs781277383, gnomAD 0.002%). This sequence change creates a premature translational stop signal (p.Glu343Cysfs*9) in the SEPSECS gene. It is expected to result in an absent or disrupted protein product. Loss-of-function variants in SEPSECS are known to be pathogenic (PMID: 25558065, 25590979, 26115735).

Revvity Omics, Revvity
Classification: Likely pathogenic for Pontocerebellar hypoplasia type 2D. Last evaluated: 2022-06-29. Review status: criteria provided, single submitter. Criteria: ACMG Guidelines, 2015. Collection method: clinical testing. Allele origin: germline.

New York Genome Center
Classification: Likely pathogenic for Pontocerebellar hypoplasia type 2D. Last evaluated: 2021-08-13. Review status: criteria provided, single submitter. Criteria: NYGC Assertion Criteria 2020. Collection method: clinical testing. Allele origin: inherited. Observed: 1 heterozygote. Study: CSER-NYCKidSeq.

Literature cited by the submitters: PubMed 25558065 (cited by Labcorp Genetics (formerly Invitae), Labcorp); PubMed 25590979 (cited by Labcorp Genetics (formerly Invitae), Labcorp); PubMed 26115735 (cited by Labcorp Genetics (formerly Invitae), Labcorp).